The following is an entry in ClinVar:

NM_007294.4(BRCA1):c.5209dup (p.Arg1737fs)

Gene: BRCA1 (BRCA1 DNA repair associated; minus strand). Cytogenetic location: 17q21.31.
Variant type: Duplication.
Coding change: c.5209dup on transcript NM_007294.4 (MANE Select); coding-DNA position 5209, one base duplicated (A; older notation c.5209dupA).
Protein change: p.Arg1737fs; shifts the reading frame from arginine 1737.
Molecular consequence: frameshift variant. On other transcripts: non-coding transcript variant (1).
Genome position (GRCh38, 1-based): chr17:43,057,120, T duplicated on the plus strand (A on the coding strand, the reverse complement: BRCA1 is on the minus strand). VCF-style (leftmost placement, unchanged base first): chr17-43057119-C-CT. GRCh37 (hg19) VCF-style: chr17-41209136-C-CT.
Other names: 5327insA-ter1829; c.5209dupA (NM_007294.3); c.4996dup, p.Arg1666Lysfs (NM_001407571.1, NM_001407894.1, NM_001407895.1 and 12 more transcripts); c.5275dup, p.Arg1759Lysfs (NM_001407581.1, NM_001407582.1); c.5272dup, p.Arg1758Lysfs (NM_001407583.1, NM_001407585.1, NM_001407587.1); c.5269dup, p.Arg1757Lysfs (NM_001407590.1, NM_001407591.1); c.5209dup, p.Arg1737Lysfs (NM_001407593.1, NM_001407594.1, NM_001407596.1 and 7 more transcripts); c.5206dup, p.Arg1736Lysfs (NM_001407610.1, NM_001407611.1, NM_001407612.1 and 17 more transcripts); and 77 more; short protein forms R633fs, R1690fs, R1737fs, R1758fs.
Identifiers: ClinVar variation 266533 (VCV000266533.7), dbSNP rs886040278, ClinGen allele CA10589611.

ClinVar aggregate classification (germline): Pathogenic. Review status: reviewed by expert panel (3 of 4 stars). 3 submissions from 3 submitters: Pathogenic (1). 2 of the submissions do not count toward it. Last evaluated 2016-10-18.

Conditions:
Familial cancer of breast. Also called: BREAST CANCER, FAMILIAL; hereditary breast carcinoma; Hereditary breast cancer. Identifiers: Orphanet 227535, MedGen C0346153, MONDO:0016419, OMIM 114480. Disease mechanism: loss of function.
Breast-ovarian cancer, familial, susceptibility to, 1 (BROVCA1). Also called: BRCA1 Hereditary Breast and Ovarian Cancer; OVARIAN CANCER, SUSCEPTIBILITY TO. Identifiers: Orphanet 145, MedGen C2676676, MONDO:0011450, OMIM 604370. Disease mechanism: loss of function.

Submissions (3):

Evidence-based Network for the Interpretation of Germline Mutant Alleles (ENIGMA)
Classification: Pathogenic for Breast-ovarian cancer, familial, susceptibility to, 1. Last evaluated: 2016-10-18. Review status: reviewed by expert panel. Criteria: ENIGMA BRCA1/2 Classification Criteria (2015). Collection method: curation. Allele origin: germline.
Comment: Variant allele predicted to encode a truncated non-functional protein.

Consortium of Investigators of Modifiers of BRCA1/2 (CIMBA), c/o University of Cambridge
Classification: Pathogenic for Breast-ovarian cancer, familial, susceptibility to, 1. Last evaluated: 2015-10-02. Review status: criteria provided, single submitter. Criteria: CIMBA Mutation Classification guidelines May 2016. Collection method: clinical testing. Allele origin: germline. Not counted in ClinVar's aggregate classification.

Center for Precision Medicine, Meizhou People's Hospital
Classification: Pathogenic for Familial cancer of breast. Review status: no assertion criteria provided. Collection method: literature only. Allele origin: germline. Affected: yes. Not counted in ClinVar's aggregate classification.

Literature cited by the submitters: PubMed 30209399 (cited by Center for Precision Medicine, Meizhou People's Hospital).